The following is an entry in ClinVar:

ClinVar aggregate classification (germline): Uncertain significance. Review status: criteria provided, multiple submitters, no conflicts (2 of 4 stars). 4 submissions from 4 submitters: Uncertain significance (4). Last evaluated 2025-04-15.

Conditions:
Hereditary cancer-predisposing syndrome. Also called: Hereditary neoplastic syndrome; Neoplastic Syndromes, Hereditary; Tumor predisposition; Hereditary Cancer Syndrome. Identifiers: Orphanet 140162, MedGen C0027672, MeSH D009386, MONDO:0015356.
Tuberous sclerosis 1 (TSC1). Identifiers: Orphanet 805, MedGen C1854465, MONDO:0008612, OMIM 191100.

Allele frequency attached by ClinVar (database versions not stated): gnomAD exomes below 0.00001.
gnomAD v4.1: 1 of 1,614,130 alleles (0.000062%); highest among the groups gnomAD compares: African/African-American, 0.0013%; no homozygotes.

Submissions (4):

Ambry Genetics
Classification: Uncertain significance for Hereditary cancer-predisposing syndrome. Last evaluated: 2025-04-15. Review status: criteria provided, single submitter. Criteria: Ambry Variant Classification Scheme 2023. Collection method: clinical testing. Allele origin: germline.
Comment: The p.F377L variant (also known as c.1129T>C), located in coding exon 9 of the TSC1 gene, results from a T to C substitution at nucleotide position 1129. The phenylalanine at codon 377 is replaced by leucine, an amino acid with highly similar properties. This amino acid position is well conserved in available vertebrate species. In addition, this alteration is predicted to be tolerated by in silico analysis. Based on the available evidence, the clinical significance of this variant remains unclear.

Labcorp Genetics (formerly Invitae), Labcorp
Classification: Uncertain significance for Tuberous sclerosis 1. Last evaluated: 2024-02-20. Review status: criteria provided, single submitter. Criteria: Invitae Variant Classification Sherloc (09022015). Collection method: clinical testing. Allele origin: germline.
Comment: This sequence change replaces phenylalanine, which is neutral and non-polar, with leucine, which is neutral and non-polar, at codon 377 of the TSC1 protein (p.Phe377Leu). This variant is not present in population databases (gnomAD no frequency). This variant has not been reported in the literature in individuals affected with TSC1-related conditions. ClinVar contains an entry for this variant (Variation ID: 1044659). Advanced modeling of protein sequence and biophysical properties (such as structural, functional, and spatial information, amino acid conservation, physicochemical variation, residue mobility, and thermodynamic stability) performed at Invitae indicates that this missense variant is not expected to disrupt TSC1 protein function with a negative predictive value of 95%. In summary, the available evidence is currently insufficient to determine the role of this variant in disease. Therefore, it has been classified as a Variant of Uncertain Significance.

GeneDx
Classification: Uncertain significance. Last evaluated: 2022-11-30. Review status: criteria provided, single submitter. Criteria: GeneDx Variant Classification Process June 2021. Collection method: clinical testing. Allele origin: germline. Affected: yes.
Comment: Not observed at significant frequency in large population cohorts (gnomAD); In silico analysis supports that this missense variant does not alter protein structure/function; Has not been previously published as pathogenic or benign to our knowledge; This variant is associated with the following publications: (PMID: 18466115)

Mendelics
Classification: Uncertain significance. Last evaluated: 2022-05-04. Review status: criteria provided, single submitter. Criteria: Mendelics Assertion Criteria 2019. Collection method: clinical testing. Allele origin: germline.

NM_000368.5(TSC1):c.1129T>C (p.Phe377Leu)

Gene: TSC1 (TSC complex subunit 1; minus strand). Cytogenetic location: 9q34.13.
Variant type: single nucleotide variant.
Coding change: c.1129T>C on transcript NM_000368.5 (MANE Select); coding-DNA position 1129, T replaced by C.
Protein change: p.Phe377Leu; replaces phenylalanine 377 with leucine.
Molecular consequence: missense variant.
Genome position (GRCh38, 1-based): chr9:132,911,014, A>G on the plus strand (T>C on the coding strand, the complement: TSC1 is on the minus strand). VCF-style: chr9-132911014-A-G. GRCh37 (hg19) VCF-style: chr9-135786401-A-G.
Other names: c.1129T>C, p.Phe377Leu (NM_001162426.2); c.976T>C, p.Phe326Leu (NM_001162427.2); c.766T>C, p.Phe256Leu (NM_001362177.2); c.1129T>C (NM_000368.4); short protein forms F256L, F377L, F326L.
Identifiers: ClinVar variation 1044659 (VCV001044659.13), dbSNP rs1845926660, ClinGen allele CA375367333.